The following is an entry in ClinVar:

ClinVar aggregate classification (germline): Pathogenic (1 of 4 stars; one submission).

Conditions:
Inborn genetic diseases. Identifiers: MedGen C0950123, MeSH D030342.

Submission:

Ambry Genetics
Classification: Pathogenic for Inborn genetic diseases. Last evaluated: 2022-07-25. Review status: criteria provided, single submitter. Criteria: Ambry Variant Classification Scheme 2023. Collection method: clinical testing. Allele origin: germline.
Comment: The c.755_762delAAATCCCC (p.Q252Pfs*73) alteration, located in exon 7 (coding exon 7) of the TCF7L2 gene, consists of a deletion of 8 nucleotides from position 755 to 762, causing a translational frameshift with a predicted alternate stop codon after 73 amino acids. This alteration is expected to result in loss of function by premature protein truncation or nonsense-mediated mRNA decay. This variant was not reported in population-based cohorts in the Genome Aggregation Database (gnomAD). Based on the available evidence, this alteration is classified as pathogenic.

NM_001367943.1(TCF7L2):c.755_762del (p.Gln252fs)

Gene: TCF7L2 (transcription factor 7 like 2; plus strand). Cytogenetic location: 10q25.3.
Variant type: Deletion.
Coding change: c.755_762del on transcript NM_001367943.1 (MANE Select); coding-DNA positions 755 to 762, 8 bases deleted (AAATCCCC; older notation c.755_762delAAATCCCC).
Protein change: p.Gln252fs; shifts the reading frame from glutamine 252.
Molecular consequence: frameshift variant.
Genome position (GRCh38, 1-based): chr10:113,143,992-113,143,999, AAATCCCC deleted; deleting any 8 consecutive bases within chr10:113,143,991-113,143,999 gives the same sequence; the c. name uses the placement nearest the transcript's 3' end. VCF-style (leftmost placement, unchanged base first): chr10-113143990-ACAAATCCC-A. GRCh37 (hg19) VCF-style: chr10-114903749-ACAAATCCC-A.
Other names: c.755_762del, p.Gln252fs (NM_001146274.2, NM_001198531.2, NM_001363501.2); c.827_834del, p.Gln276fs (NM_001146283.2); c.686_693del, p.Gln229fs (NM_001146284.2, NM_001146285.2, NM_001146286.2 and 6 more transcripts); c.584_591del, p.Gln195fs (NM_001198530.2); c.326_333del, p.Gln109fs (NM_001349870.2); c.206_213del, p.Gln69fs (NM_001349871.1); short protein forms Q229fs, Q69fs, Q252fs, Q276fs, Q195fs, Q109fs.
Identifiers: ClinVar variation 2297867 (VCV002297867.2), dbSNP rs2544045443, ClinGen allele CA2580082370.